The following is an entry in ClinVar:

NM_007254.4(PNKP):c.1309T>C (p.Cys437Arg)

Gene: PNKP (polynucleotide kinase 3'-phosphatase; minus strand). Cytogenetic location: 19q13.33.
Variant type: single nucleotide variant.
Coding change: c.1309T>C on transcript NM_007254.4 (MANE Select); coding-DNA position 1309, T replaced by C.
Protein change: p.Cys437Arg; replaces cysteine 437 with arginine.
Molecular consequence: missense variant.
Genome position (GRCh38, 1-based): chr19:49,861,685, A>G on the plus strand (T>C on the coding strand, the complement: PNKP is on the minus strand). VCF-style: chr19-49861685-A-G. GRCh37 (hg19) VCF-style: chr19-50364942-A-G.
Other names: short protein forms C437R.
Identifiers: ClinVar variation 933681 (VCV000933681.6), dbSNP rs772111430, ClinGen allele CA9586457.

ClinVar aggregate classification (germline): Uncertain significance (1 of 4 stars; one submission).

Conditions:
Developmental and epileptic encephalopathy, 12 (DEE12). Identifiers: MedGen C3150988, MONDO:0013389, OMIM 613722.

Allele frequency attached by ClinVar (database versions not stated): ExAC below 0.00001; gnomAD exomes below 0.00001; gnomAD 0.00001; TOPMed 0.00001.
gnomAD v4.1: 4 of 1,547,372 alleles (0.00026%); highest among the groups gnomAD compares: African/African-American, 0.0014%; no homozygotes.

Submission:

Labcorp Genetics (formerly Invitae), Labcorp
Classification: Uncertain significance for Developmental and epileptic encephalopathy, 12. Last evaluated: 2022-07-12. Review status: criteria provided, single submitter. Criteria: Invitae Variant Classification Sherloc (09022015). Collection method: clinical testing. Allele origin: germline.
Comment: In summary, the available evidence is currently insufficient to determine the role of this variant in disease. Therefore, it has been classified as a Variant of Uncertain Significance. Algorithms developed to predict the effect of missense changes on protein structure and function are either unavailable or do not agree on the potential impact of this missense change (SIFT: "Deleterious"; PolyPhen-2: "Probably Damaging"; Align-GVGD: "Class C0"). ClinVar contains an entry for this variant (Variation ID: 933681). This variant has not been reported in the literature in individuals affected with PNKP-related conditions. This variant is not present in population databases (gnomAD no frequency). This sequence change replaces cysteine, which is neutral and slightly polar, with arginine, which is basic and polar, at codon 437 of the PNKP protein (p.Cys437Arg).